The following is an entry in ClinVar:

ClinVar aggregate classification (germline): Uncertain significance. Review status: criteria provided, multiple submitters, no conflicts (2 of 4 stars). 2 submissions from 2 submitters: Uncertain significance (2). Last evaluated 2025-02-17.

Allele frequency attached by ClinVar (database versions not stated): gnomAD exomes 0.00001 and 0.00002; TOPMed 0.00001; ExAC 0.00003.

Submissions (2):

Labcorp Genetics (formerly Invitae), Labcorp
Classification: Uncertain significance. Last evaluated: 2025-02-17. Review status: criteria provided, single submitter. Criteria: Invitae Variant Classification Sherloc (09022015). Collection method: clinical testing. Allele origin: germline.
Comment: This sequence change replaces valine, which is neutral and non-polar, with alanine, which is neutral and non-polar, at codon 13 of the CHM protein (p.Val13Ala). The frequency data for this variant in the population databases is considered unreliable, as metrics indicate poor data quality at this position in the gnomAD database. This variant has not been reported in the literature in individuals affected with CHM-related conditions. ClinVar contains an entry for this variant (Variation ID: 1372429). Invitae Evidence Modeling of protein sequence and biophysical properties (such as structural, functional, and spatial information, amino acid conservation, physicochemical variation, residue mobility, and thermodynamic stability) indicates that this missense variant is not expected to disrupt CHM protein function with a negative predictive value of 80%. In summary, the available evidence is currently insufficient to determine the role of this variant in disease. Therefore, it has been classified as a Variant of Uncertain Significance.

Breakthrough Genomics
Classification: Uncertain significance. Review status: criteria provided, single submitter. Criteria: ACMG Guidelines, 2015. Collection method: not provided. Allele origin: germline. Inheritance: X-linked inheritance. Affected: yes.

NM_000390.4(CHM):c.38T>C (p.Val13Ala)

Gene: CHM (CHM Rab escort protein; minus strand). Cytogenetic location: Xq21.2.
Variant type: single nucleotide variant.
Coding change: c.38T>C on transcript NM_000390.4 (MANE Select); coding-DNA position 38, T replaced by C.
Protein change: p.Val13Ala; replaces valine 13 with alanine.
Molecular consequence: missense variant.
Genome position (GRCh38, 1-based): chrX:86,047,495, A>G on the plus strand (T>C on the coding strand, the complement: CHM is on the minus strand). VCF-style: chrX-86047495-A-G. GRCh37 (hg19) VCF-style: chrX-85302499-A-G.
Other names: c.38T>C, p.Val13Ala (NM_001145414.4); short protein forms V13A.
Identifiers: ClinVar variation 1372429 (VCV001372429.5), dbSNP rs755235198, ClinGen allele CA10465684.